The following is an entry in ClinVar:

ClinVar aggregate classification (germline): Benign/Likely benign. Review status: criteria provided, multiple submitters, no conflicts (2 of 4 stars). 4 submissions from 4 submitters: Benign (1); Likely benign (3). Last evaluated 2026-07-01.

Conditions:
Neurodegeneration with brain iron accumulation 6 (NBIA6). Also called: COASY protein-associated neurodegeneration. Identifiers: Orphanet 397725, MedGen C4517377, MONDO:0014290, OMIM 615643.

Allele frequency attached by ClinVar (database versions not stated): TOPMed 0.00136; ESP Exome Variant Server 0.00200.

Submissions (4):

CeGaT Center for Human Genetics Tuebingen
Classification: Likely benign. Last evaluated: 2026-07-01. Review status: criteria provided, single submitter. Criteria: CeGaT Center For Human Genetics Tuebingen Variant Classification Criteria Version 2. Collection method: clinical testing. Allele origin: germline. Affected: yes. Observed: 10 variant alleles.
Comment: COASY: BP4, BP7

Labcorp Genetics (formerly Invitae), Labcorp
Classification: Benign for Neurodegeneration with brain iron accumulation 6. Last evaluated: 2026-01-26. Review status: criteria provided, single submitter. Criteria: Invitae Variant Classification Sherloc (09022015). Collection method: clinical testing. Allele origin: germline.

Blueprint Genetics
Classification: Likely benign. Last evaluated: 2024-11-12. Review status: criteria provided, single submitter. Criteria: ACMG Guidelines, 2015. Collection method: clinical testing. Allele origin: germline.

GeneDx
Classification: Likely benign. Last evaluated: 2020-10-26. Review status: criteria provided, single submitter. Criteria: GeneDx Variant Classification Process June 2021. Collection method: clinical testing. Allele origin: germline. Affected: yes.

NM_025233.7(COASY):c.825C>T (p.Pro275=)

Gene: COASY (Coenzyme A synthase; plus strand). Cytogenetic location: 17q21.2.
Variant type: single nucleotide variant.
Coding change: c.825C>T on transcript NM_025233.7 (MANE Select); coding-DNA position 825, C replaced by T.
Protein change: p.Pro275=; no amino-acid change (proline 275 retained).
Molecular consequence: synonymous variant.
Genome position (GRCh38, 1-based): chr17:42,564,085, C>T. VCF-style: chr17-42564085-C-T. GRCh37 (hg19) VCF-style: chr17-40716103-C-T.
Other names: c.825C>T, p.Pro275= (NM_001042529.3); c.912C>T, p.Pro304= (NM_001042532.4).
Identifiers: ClinVar variation 386283 (VCV000386283.48), dbSNP rs148652390, ClinGen allele CA8578069.
Genomic context (GRCh38, chr17:42,564,085, plus strand): 5'-GGTGGACATCAAGCCCTCCTTGACTTTTGATGTCATCCCCCTGCTGGACCCCTATGGGCC[C>T]GCTGGCTCTGACCCCTCCCTGGAGTTCCTGGTGGTCAGCGAGGAGACCTATCGTGGGGGG-3'
Protein context (NP_079509.5, residues 265-285): DVIPLLDPYG[Pro275=]AGSDPSLEFL